The following is an entry in ClinVar:

NM_001358530.2(MOCS1):c.1668C>T (p.His556=)

Gene: MOCS1 (molybdenum cofactor synthesis 1; minus strand). Cytogenetic location: 6p21.2.
Variant type: single nucleotide variant.
Coding change: c.1668C>T on transcript NM_001358530.2 (MANE Select); coding-DNA position 1668, C replaced by T.
Protein change: p.His556=; no amino-acid change (histidine 556 retained).
Molecular consequence: synonymous variant. On other transcripts: 3 prime UTR variant (4), non-coding transcript variant (1).
Genome position (GRCh38, 1-based): chr6:39,906,600, G>A on the plus strand (C>T on the coding strand, the complement: MOCS1 is on the minus strand). VCF-style: chr6-39906600-G-A. GRCh37 (hg19) VCF-style: chr6-39874376-G-A.
Other names: c.1668C>T (NM_001358530.1); c.*525C>T (NM_001075098.4, NM_001358533.2, NM_001358534.2 and 1 more transcripts); c.1620C>T, p.His540= (NM_001358529.2); c.1407C>T, p.His469= (NM_001358531.2).
Identifiers: ClinVar variation 903891 (VCV000903891.37), dbSNP rs149233109, ClinGen allele CA3795915.

ClinVar aggregate classification (germline): Conflicting classifications of pathogenicity. Review status: criteria provided, conflicting classifications (1 of 4 stars). 5 submissions from 5 submitters: Uncertain significance (1); Benign (2); Likely benign (2). Last evaluated 2026-03-01.

Conditions:
MOCS1-related disorder. Also called: MOCS1-related condition.
Sulfite oxidase deficiency due to molybdenum cofactor deficiency type A. Also called: Molybdenum cofactor deficiency, complementation group A; Molybdenum Cofactor Deficiency A. Identifiers: Orphanet 308386, Orphanet 833, MedGen C1854988, MONDO:0009643, OMIM 252150.

Allele frequency attached by ClinVar (database versions not stated): 1000 Genomes Project 0.00140; 1000 Genomes Project 30x 0.00187; ExAC 0.00230; gnomAD 0.00237 and 0.00240; TOPMed 0.00248; ESP Exome Variant Server 0.00277.
gnomAD v4.1: 4,900 of 1,613,884 alleles (0.3%); highest among the groups gnomAD compares: Middle Eastern, 1.3%; 20 homozygotes.

Submissions (5):

CeGaT Center for Human Genetics Tuebingen
Classification: Likely benign. Last evaluated: 2026-03-01. Review status: criteria provided, single submitter. Criteria: CeGaT Center For Human Genetics Tuebingen Variant Classification Criteria Version 2. Collection method: clinical testing. Allele origin: germline. Affected: yes. Observed: 22 variant alleles.
Comment: MOCS1: BP4, BP7, BS2

Labcorp Genetics (formerly Invitae), Labcorp
Classification: Benign for Sulfite oxidase deficiency due to molybdenum cofactor deficiency type A. Last evaluated: 2026-02-03. Review status: criteria provided, single submitter. Criteria: Invitae Variant Classification Sherloc (09022015). Collection method: clinical testing. Allele origin: germline.

PreventionGenetics, part of Exact Sciences
Classification: Benign for MOCS1-related condition. Last evaluated: 2025-01-07. Review status: criteria provided, single submitter. Criteria: ACMG Guidelines, 2015. Collection method: clinical testing. Allele origin: germline.
Comment: This variant is classified as benign based on ACMG/AMP sequence variant interpretation guidelines (Richards et al. 2015 PMID: 25741868, with internal and published modifications).

Blueprint Genetics
Classification: Likely benign. Last evaluated: 2024-11-26. Review status: criteria provided, single submitter. Criteria: ACMG Guidelines, 2015. Collection method: clinical testing. Allele origin: germline.

Illumina Laboratory Services, Illumina
Classification: Uncertain significance for Sulfite oxidase deficiency due to molybdenum cofactor deficiency type A. Last evaluated: 2018-01-12. Review status: criteria provided, single submitter. Criteria: ICSL Variant Classification Criteria 13 December 2019. Collection method: clinical testing. Allele origin: germline.